The following is an entry in ClinVar:

NM_001330078.2(NRXN1):c.558C>A (p.Asp186Glu)

Gene: NRXN1 (neurexin 1; minus strand). Cytogenetic location: 2p16.3.
Variant type: single nucleotide variant.
Coding change: c.558C>A on transcript NM_001330078.2 (MANE Select); coding-DNA position 558, C replaced by A.
Protein change: p.Asp186Glu; replaces aspartic acid 186 with glutamic acid.
Molecular consequence: missense variant.
Genome position (GRCh38, 1-based): chr2:51,027,716, G>T on the plus strand (C>A on the coding strand, the complement: NRXN1 is on the minus strand). VCF-style: chr2-51027716-G-T. GRCh37 (hg19) VCF-style: chr2-51254854-G-T.
Other names: c.558C>A, p.Asp186Glu (NM_001135659.3, NM_001330077.2, NM_001330079.2 and 15 more transcripts); short protein forms D186E.
Identifiers: ClinVar variation 3624065 (VCV003624065.2).

ClinVar aggregate classification (germline): Uncertain significance (1 of 4 stars; one submission).

Conditions:
Pitt-Hopkins-like syndrome 2 (PTHSL2). Identifiers: Orphanet 221150, Orphanet 600663, MedGen C3280479, MONDO:0013690, OMIM 614325.

Submission:

Labcorp Genetics (formerly Invitae), Labcorp
Classification: Uncertain significance for Pitt-Hopkins-like syndrome 2. Last evaluated: 2025-10-01. Review status: criteria provided, single submitter. Criteria: Invitae Variant Classification Sherloc (09022015). Collection method: clinical testing. Allele origin: germline.
Comment: This sequence change replaces aspartic acid, which is acidic and polar, with glutamic acid, which is acidic and polar, at codon 186 of the NRXN1 protein (p.Asp186Glu). This variant is not present in population databases (gnomAD no frequency). This variant has not been reported in the literature in individuals affected with NRXN1-related conditions. ClinVar contains an entry for this variant (Variation ID: 3624065). An algorithm developed to predict the effect of missense changes on protein structure and function (PolyPhen-2) suggests that this variant is likely to be disruptive. In summary, the available evidence is currently insufficient to determine the role of this variant in disease. Therefore, it has been classified as a Variant of Uncertain Significance.